The following is an entry in ClinVar:

NM_005612.5(REST):c.645dup (p.Ile216fs)

Gene: REST (RE1 silencing transcription factor; plus strand). Cytogenetic location: 4q12.
Variant type: Duplication.
Coding change: c.645dup on transcript NM_005612.5 (MANE Select); coding-DNA position 645, one base duplicated (C; older notation c.645dupC).
Protein change: p.Ile216fs; shifts the reading frame from isoleucine 216.
Molecular consequence: frameshift variant.
Genome position (GRCh38, 1-based): chr4:56,911,283, C duplicated; the last of 4 consecutive C bases (chr4:56,911,280-56,911,283); duplicating any one gives the same sequence. VCF-style (leftmost placement, unchanged base first): chr4-56911279-G-GC. GRCh37 (hg19) VCF-style: chr4-57777445-G-GC.
Other names: c.645dupC (NM_005612.4); c.645dup, p.Ile216Hisfs (NM_001193508.2, NM_001363453.3); short protein forms I216fs.
Identifiers: ClinVar variation 1309829 (VCV001309829.5), dbSNP rs2109524776, ClinGen allele CA2573052339.

ClinVar aggregate classification (germline): Uncertain significance. Review status: criteria provided, multiple submitters, no conflicts (2 of 4 stars). 2 submissions from 2 submitters: Uncertain significance (2). Last evaluated 2023-08-29.

Conditions:
REST-related disorder. Also called: REST-related condition.

Submissions (2):

GeneDx
Classification: Uncertain significance. Last evaluated: 2023-08-29. Review status: criteria provided, single submitter. Criteria: GeneDx Variant Classification Process June 2021. Collection method: clinical testing. Allele origin: germline. Affected: yes.
Comment: Frameshift variant predicted to result in protein truncation or nonsense mediated decay in a gene or region of a gene for which loss of function is not a well-established mechanism of disease; Has not been previously published as pathogenic or benign to our knowledge; Not observed at significant frequency in large population cohorts (gnomAD)

PreventionGenetics, part of Exact Sciences
Classification: Uncertain significance for REST-related condition. Last evaluated: 2022-12-07. Review status: criteria provided, single submitter. Criteria: ACMG Guidelines, 2015. Collection method: clinical testing. Allele origin: germline.
Comment: The REST c.645dupC variant is predicted to result in a frameshift and premature protein termination (p.Ile216Hisfs*4). To our knowledge, this variant has not been reported in the literature or in a large population database, indicating this variant is rare. Although we suspect that this variant may be pathogenic, at this time, the clinical significance of this variant is uncertain due to the absence of conclusive functional and genetic evidence.